The following is an entry in ClinVar:

ClinVar aggregate classification (germline): Likely benign. Review status: criteria provided, multiple submitters, no conflicts (2 of 4 stars). 4 submissions from 4 submitters: Likely benign (3). 1 of the submissions does not count toward it. Last evaluated 2026-06-01.

Conditions:
PPARG-related disorder. Also called: PPARG-related disorders; PPARG-related condition.

Allele frequency attached by ClinVar (database versions not stated): ExAC 0.00002; gnomAD 0.00003; gnomAD exomes 0.00003; TOPMed 0.00005.
gnomAD v4.1: 26 of 1,613,972 alleles (0.0016%); highest among the groups gnomAD compares: East Asian, 0.02%; no homozygotes.

Submissions (4):

CeGaT Center for Human Genetics Tuebingen
Classification: Likely benign. Last evaluated: 2026-06-01. Review status: criteria provided, single submitter. Criteria: CeGaT Center For Human Genetics Tuebingen Variant Classification Criteria Version 2. Collection method: clinical testing. Allele origin: germline. Affected: yes. Observed: 1 variant allele.
Comment: PPARG: BP4, BP7

Laboratory of Genetics, Children's Clinical University Hospital Latvia
Classification: Likely benign. Last evaluated: 2025-02-16. Review status: criteria provided, single submitter. Criteria: ACMG Guidelines, 2015. Collection method: clinical testing. Allele origin: germline. Affected: yes.

Labcorp Genetics (formerly Invitae), Labcorp
Classification: Likely benign. Last evaluated: 2017-10-09. Review status: criteria provided, single submitter. Criteria: Invitae Variant Classification Sherloc (09022015). Collection method: clinical testing. Allele origin: germline.

PreventionGenetics, part of Exact Sciences
Classification: Likely benign for PPARG-related condition. Last evaluated: 2023-09-19. Review status: no assertion criteria provided. Collection method: clinical testing. Allele origin: germline. Not counted in ClinVar's aggregate classification.
Comment: This variant is classified as likely benign based on ACMG/AMP sequence variant interpretation guidelines (Richards et al. 2015 PMID: 25741868, with internal and published modifications).

NM_138711.6(PPARG):c.861C>T (p.Ser287=)

Gene: PPARG (peroxisome proliferator activated receptor gamma; plus strand). Cytogenetic location: 3p25.2.
Variant type: single nucleotide variant.
Coding change: c.861C>T on transcript NM_138711.6 (MANE Select); coding-DNA position 861, C replaced by T.
Protein change: p.Ser287=; no amino-acid change (serine 287 retained).
Molecular consequence: synonymous variant. On other transcripts: intron variant (5).
Genome position (GRCh38, 1-based): chr3:12,416,835, C>T. VCF-style: chr3-12416835-C-T. GRCh37 (hg19) VCF-style: chr3-12458334-C-T.
Other names: c.861C>T, p.Ser287= (NM_001354666.3, NM_001354667.3, NM_001374263.2 and 3 more transcripts); c.234C>T, p.Ser78= (NM_001354669.2); c.951C>T, p.Ser317= (NM_015869.5); c.729+10754C>T (NM_001374261.3, NM_001374262.3, NM_001330615.4); c.653+10836C>T (NM_001374266.1); c.819+10754C>T (NM_001374265.1).
Identifiers: ClinVar variation 709025 (VCV000709025.8), dbSNP rs13306746, ClinGen allele CA2258292.